The following is an entry in ClinVar:

NM_021625.5(TRPV4):c.1393A>G (p.Lys465Glu)

Gene: TRPV4 (transient receptor potential cation channel subfamily V member 4; minus strand). Cytogenetic location: 12q24.11.
Variant type: single nucleotide variant.
Coding change: c.1393A>G on transcript NM_021625.5 (MANE Select); coding-DNA position 1393, A replaced by G.
Protein change: p.Lys465Glu; replaces lysine 465 with glutamic acid.
Molecular consequence: missense variant.
Genome position (GRCh38, 1-based): chr12:109,794,427, T>C on the plus strand (A>G on the coding strand, the complement: TRPV4 is on the minus strand). VCF-style: chr12-109794427-T-C. GRCh37 (hg19) VCF-style: chr12-110232232-T-C.
Other names: c.1252A>G, p.Lys418Glu (NM_001177428.2); c.1291A>G, p.Lys431Glu (NM_001177431.2); c.1072A>G, p.Lys358Glu (NM_001177433.2); c.1213A>G, p.Lys405Glu (NM_147204.3); short protein forms K465E, K405E, K418E, K431E, K358E.
Identifiers: ClinVar variation 1489569 (VCV001489569.8), dbSNP rs2136484635, ClinGen allele CA386653100.

ClinVar aggregate classification (germline): Uncertain significance (1 of 4 stars; one submission).

Conditions:
Charcot-Marie-Tooth disease axonal type 2C (HMSN2C). Also called: CHARCOT-MARIE-TOOTH DISEASE, AXONAL, AUTOSOMAL DOMINANT, TYPE 2C; Charcot-Marie-Tooth Neuropathy Type 2C; Charcot-Marie-Tooth Disease Type 2, TRPV4-Related (CMT2C). Identifiers: Orphanet 99937, MedGen C1853710, MONDO:0011633, OMIM 606071.

Submission:

Labcorp Genetics (formerly Invitae), Labcorp
Classification: Uncertain significance for Charcot-Marie-Tooth disease axonal type 2C. Last evaluated: 2021-06-16. Review status: criteria provided, single submitter. Criteria: Invitae Variant Classification Sherloc (09022015). Collection method: clinical testing. Allele origin: germline.
Comment: This sequence change replaces lysine with glutamic acid at codon 465 of the TRPV4 protein (p.Lys465Glu). The lysine residue is moderately conserved and there is a small physicochemical difference between lysine and glutamic acid. This variant is not present in population databases (ExAC no frequency). In summary, the available evidence is currently insufficient to determine the role of this variant in disease. Therefore, it has been classified as a Variant of Uncertain Significance. Advanced modeling of protein sequence and biophysical properties (such as structural, functional, and spatial information, amino acid conservation, physicochemical variation, residue mobility, and thermodynamic stability) performed at Invitae indicates that this missense variant is expected to disrupt TRPV4 protein function. This variant has not been reported in the literature in individuals with TRPV4-related conditions.